The following is an entry in ClinVar:

ClinVar aggregate classification (germline): Uncertain significance (1 of 4 stars; one submission).

Submission:

Ambry Genetics
Classification: Uncertain significance. Last evaluated: 2025-06-08. Review status: criteria provided, single submitter. Criteria: Ambry Variant Classification Scheme 2023. Collection method: clinical testing. Allele origin: germline.
Comment: The p.L376Q variant (also known as c.1127T>A), located in coding exon 10 of the GEN1 gene, results from a T to A substitution at nucleotide position 1127. The leucine at codon 376 is replaced by glutamine, an amino acid with dissimilar properties. This amino acid position is conserved. In addition, this alteration is predicted to be deleterious by in silico analysis. Based on the available evidence, the clinical significance of this variant remains unclear.

NM_001130009.3(GEN1):c.1127T>A (p.Leu376Gln)

Gene: GEN1 (GEN1 Holliday junction 5' flap endonuclease; plus strand). Cytogenetic location: 2p24.2.
Variant type: single nucleotide variant.
Coding change: c.1127T>A on transcript NM_001130009.3 (MANE Select); coding-DNA position 1127, T replaced by A.
Protein change: p.Leu376Gln; replaces leucine 376 with glutamine.
Molecular consequence: missense variant.
Genome position (GRCh38, 1-based): chr2:17,774,326, T>A. VCF-style: chr2-17774326-T-A. GRCh37 (hg19) VCF-style: chr2-17955593-T-A.
Other names: c.1127T>A, p.Leu376Gln (NM_182625.5); short protein forms L376Q.
Identifiers: ClinVar variation 4029333 (VCV004029333.1).